The following is an entry in ClinVar:

NM_139276.3(STAT3):c.1840A>G (p.Ser614Gly)

Gene: STAT3 (signal transducer and activator of transcription 3; minus strand). Cytogenetic location: 17q21.2.
Variant type: single nucleotide variant.
Coding change: c.1840A>G on transcript NM_139276.3 (MANE Select); coding-DNA position 1840, A replaced by G.
Protein change: p.Ser614Gly; replaces serine 614 with glycine.
Molecular consequence: missense variant.
Genome position (GRCh38, 1-based): chr17:42,323,052, T>C on the plus strand (A>G on the coding strand, the complement: STAT3 is on the minus strand). VCF-style: chr17-42323052-T-C. GRCh37 (hg19) VCF-style: chr17-40475070-T-C.
Other names: c.1840A>G, p.Ser614Gly (NM_001369516.1, NM_001369517.1, NM_001369518.1 and 9 more transcripts); c.1756A>G, p.Ser586Gly (NM_001384984.1); c.1762A>G, p.Ser588Gly (NM_001384985.1); c.1855A>G, p.Ser619Gly (NM_001384986.1, NM_001384990.1); c.1819A>G, p.Ser607Gly (NM_001384987.1); c.1744A>G, p.Ser582Gly (NM_001384989.1); c.1813A>G, p.Ser605Gly (NM_001384991.1); c.1780A>G, p.Ser594Gly (NM_001384992.1); short protein forms S614G, S582G, S586G, S588G, S594G, S605G, S607G, S619G.
Identifiers: ClinVar variation 265440 (VCV000265440.4), dbSNP rs886039546, ClinGen allele CA10588651.

ClinVar aggregate classification (germline): Conflicting classifications of pathogenicity. Review status: criteria provided, conflicting classifications (1 of 4 stars). 2 submissions from 2 submitters: Pathogenic (1); Uncertain significance (1). Last evaluated 2024-03-21.

Conditions:
STAT3 gain of function. Identifiers: MedGen C4288261.
Hyper-IgE recurrent infection syndrome 1, autosomal dominant. Also called: Job's Syndrome; Hyper-IgE recurrent infection syndrome 1; JOB SYNDROME; STAT3 Hyper IgE Syndrome; HYPER-IgE SYNDROME 1, AUTOSOMAL DOMINANT, WITH RECURRENT INFECTIONS. Identifiers: Orphanet 2314, MedGen C2936739, MONDO:0007818, OMIM 147060.

Submissions (2):

Labcorp Genetics (formerly Invitae), Labcorp
Classification: Uncertain significance for STAT3 gain of function; Hyper-IgE recurrent infection syndrome 1, autosomal dominant. Last evaluated: 2024-03-21. Review status: criteria provided, single submitter. Criteria: Invitae Variant Classification Sherloc (09022015). Collection method: clinical testing. Allele origin: germline.
Comment: This sequence change replaces serine, which is neutral and polar, with glycine, which is neutral and non-polar, at codon 614 of the STAT3 protein (p.Ser614Gly). This variant is not present in population databases (gnomAD no frequency). This missense change has been observed in individuals with hyper IgE syndrome (PMID: 22751495). ClinVar contains an entry for this variant (Variation ID: 265440). Advanced modeling of protein sequence and biophysical properties (such as structural, functional, and spatial information, amino acid conservation, physicochemical variation, residue mobility, and thermodynamic stability) performed at Invitae indicates that this missense variant is expected to disrupt STAT3 protein function with a positive predictive value of 80%. In summary, the available evidence is currently insufficient to determine the role of this variant in disease. Therefore, it has been classified as a Variant of Uncertain Significance.

GeneDx
Classification: Pathogenic. Last evaluated: 2016-02-09. Review status: criteria provided, single submitter. Criteria: GeneDx Variant Classification (06012015). Collection method: clinical testing. Allele origin: germline. Affected: yes.
Comment: The S614G missense variant in the STAT3 gene has been reported previously in association with Hyper-IgE syndrome (Chandesris et al., 2012). The variant was not observed in approximately 6,500 individuals of European and African American ancestry in the NHLBI Exome Sequencing Project, indicating it is not a common benign variant in these populations. S614G variant is a non-conservative amino acid substitution, which is likely to impact secondary protein structure as these residues differ in polarity, charge, size and/or other properties. This substitution occurs at a position within the SH2 domain that is conserved across species, and in silico analysis predicts this variant is probably damaging to the protein structure/function. Functional studies have shown that fibroblasts and EBV-B cells with S614G show an impaired response to IL-6 (Kreins et al., 2015). Missense variants in nearby residues (R609G, S611G/I/N, G617E/V, G618D) have been reported in the Human Gene Mutation Database in association with HIES (Stenson et al., 2014), supporting the functional importance of this region of the protein.

Literature cited by the submitters: PubMed 22751495 (cited by Labcorp Genetics (formerly Invitae), Labcorp).